The following is an entry in ClinVar:

NM_001022.4(RPS19):c.251_252del (p.Arg84fs)

Genes: RPS19 (ribosomal protein S19; plus strand), RPS19-CD79A (RPS19-CD79A readthrough; plus strand). Cytogenetic location: 19q13.2.
Variant type: Microsatellite.
Coding change: c.251_252del on transcript NM_001022.4 (MANE Select); coding-DNA positions 251 to 252, 2 bases deleted (GA; older notation c.251_252delGA).
Protein change: p.Arg84fs; shifts the reading frame from arginine 84.
Molecular consequence: frameshift variant.
Genome position (GRCh38, 1-based): chr19:41,869,109-41,869,110, GA deleted; deleting any 2 consecutive bases within chr19:41,869,106-41,869,110 gives the same sequence; the c. name uses the placement nearest the transcript's 3' end. VCF-style (leftmost placement, unchanged base first): chr19-41869105-CAG-C. GRCh37 (hg19) VCF-style: chr19-42373175-CAG-C.
Other names: c.251_252del, p.Arg84fs (NM_001321483.2, NM_001321484.2); c.264_265del, p.Lys89fs (NM_001321485.2); short protein forms R84fs, K89fs.
Identifiers: ClinVar variation 4996828 (VCV004996828.1).

ClinVar aggregate classification (germline): Pathogenic (1 of 4 stars; one submission).

Conditions:
RPS19-related disorder. Also called: RPS19-related condition.

Submission:

PreventionGenetics, part of Exact Sciences
Classification: Pathogenic for RPS19-related condition. Last evaluated: 2025-05-05. Review status: criteria provided, single submitter. Criteria: ACMG Guidelines, 2015. Collection method: clinical testing. Allele origin: germline.
Comment: The RPS19 c.251_252delGA variant is predicted to result in a frameshift and premature protein termination (p.Arg84Lysfs*69). This variant has been reported in the heterozygous state in two unrelated individuals with Diamond-Blackfan anemia (Willig et al. 1999. PubMed ID: 10590074; Blombery et al. 2021. PubMed ID: 32054657). This variant has not been reported in a large population database (gnomAD), indicating this variant is rare. Frameshift variants in RPS19 are expected to be pathogenic. This variant is interpreted as pathogenic.